The following is an entry in ClinVar:

ClinVar aggregate classification (germline): Uncertain significance. Review status: criteria provided, multiple submitters, no conflicts (2 of 4 stars). 3 submissions from 3 submitters: Uncertain significance (3). Last evaluated 2025-06-14.

Conditions:
Intellectual developmental disorder, autosomal dominant 50, with behavioral abnormalities. Also called: MENTAL RETARDATION, AUTOSOMAL DOMINANT 50; Intellectual disability, autosomal dominant 50. Identifiers: MedGen C4540470, MONDO:0030916, OMIM 617787.
NAA15-related disorder.

gnomAD v4.1: 2 of 1,611,216 alleles (0.00012%); highest among the groups gnomAD compares: Non-Finnish European, 0.00017%; no homozygotes.

Submissions (3):

PreventionGenetics, part of Exact Sciences
Classification: Uncertain significance for NAA15-related condition. Last evaluated: 2025-06-14. Review status: criteria provided, single submitter. Criteria: ACMG Guidelines, 2015. Collection method: clinical testing. Allele origin: germline.
Comment: The NAA15 c.2356T>G variant is predicted to result in the amino acid substitution p.Leu786Val. To our knowledge, this variant has not been reported in the literature or in a large population database (gnomAD), indicating this variant is rare. At this time, the clinical significance of this variant is uncertain due to the absence of conclusive functional and genetic evidence.

Revvity Omics, Revvity
Classification: Uncertain significance for Intellectual developmental disorder, autosomal dominant 50, with behavioral abnormalities. Last evaluated: 2024-12-20. Review status: criteria provided, single submitter. Criteria: ACMG Guidelines, 2015. Collection method: clinical testing. Allele origin: germline.

Labcorp Genetics (formerly Invitae), Labcorp
Classification: Uncertain significance. Last evaluated: 2024-04-12. Review status: criteria provided, single submitter. Criteria: Invitae Variant Classification Sherloc (09022015). Collection method: clinical testing. Allele origin: germline.
Comment: This sequence change replaces leucine, which is neutral and non-polar, with valine, which is neutral and non-polar, at codon 786 of the NAA15 protein (p.Leu786Val). This variant is not present in population databases (gnomAD no frequency). This variant has not been reported in the literature in individuals affected with NAA15-related conditions. An algorithm developed to predict the effect of missense changes on protein structure and function (PolyPhen-2) suggests that this variant¬†is likely to be tolerated. In summary, the available evidence is currently insufficient to determine the role of this variant in disease. Therefore, it has been classified as a Variant of Uncertain Significance.

NM_057175.5(NAA15):c.2356T>G (p.Leu786Val)

Gene: NAA15 (N-alpha-acetyltransferase 15, NatA auxiliary subunit; plus strand). Cytogenetic location: 4q31.1.
Variant type: single nucleotide variant.
Coding change: c.2356T>G on transcript NM_057175.5 (MANE Select); coding-DNA position 2356, T replaced by G.
Protein change: p.Leu786Val; replaces leucine 786 with valine.
Molecular consequence: missense variant.
Genome position (GRCh38, 1-based): chr4:139,386,186, T>G. VCF-style: chr4-139386186-T-G. GRCh37 (hg19) VCF-style: chr4-140307340-T-G.
Other names: c.2356T>G (NM_057175.3); c.2353T>G, p.Leu785Val (NM_001410842.1); short protein forms L785V, L786V.
Identifiers: ClinVar variation 3625507 (VCV003625507.3).